The following is an entry in ClinVar:

NM_000054.7(AVPR2):c.963C>A (p.Asn321Lys)

Gene: AVPR2 (arginine vasopressin receptor 2; plus strand). Cytogenetic location: Xq28.
Variant type: single nucleotide variant.
Coding change: c.963C>A on transcript NM_000054.7 (MANE Select); coding-DNA position 963, C replaced by A.
Protein change: p.Asn321Lys; replaces asparagine 321 with lysine.
Molecular consequence: missense variant. On other transcripts: 3 prime UTR variant (1), non-coding transcript variant (1).
Genome position (GRCh38, 1-based): chrX:153,906,575, C>A. VCF-style: chrX-153906575-C-A. GRCh37 (hg19) VCF-style: chrX-153172029-C-A.
Other names: c.*139C>A (NM_001146151.3); short protein forms N321K.
Identifiers: ClinVar variation 35749 (VCV000035749.4), dbSNP rs193922123, ClinGen allele CA260175.

ClinVar aggregate classification (germline): Likely pathogenic. Review status: criteria provided, multiple submitters, no conflicts (2 of 4 stars). 2 submissions from 2 submitters: Likely pathogenic (2). Last evaluated 2025-01-09.

Conditions:
AVPR2-related disorder. Also called: AVPR2-related condition.
Nephrogenic diabetes insipidus. Identifiers: Orphanet 223, MedGen C0162283, MONDO:0016383, HP:0009806.

Allele frequency attached by ClinVar (database versions not stated): gnomAD exomes below 0.00001 and 0.00001.

Submissions (2):

PreventionGenetics, part of Exact Sciences
Classification: Likely pathogenic for AVPR2-related condition. Last evaluated: 2025-01-09. Review status: criteria provided, single submitter. Criteria: ACMG Guidelines, 2015. Collection method: clinical testing. Allele origin: germline.
Comment: The AVPR2 c.963C>A variant is predicted to result in the amino acid substitution p.Asn321Lys. This variant has been reported in the hemizygous state in an individual with nephrogenic diabetes insipidus (NDI, Zhu et al. 2020. PubMed ID: 33240318). An alternate nucleotide change at the same genomic position (c.963C>G p.Asn321Lys) has been reported in the hemizygous state in two individuals with NDI (Erdélyi et al. 2014. PubMed ID: 24628417;Arthus et al. 2000. PubMed ID: 10820168). Alternate missense changes affecting the same amino acid (p.Asn321Asp, p.Asn312Tyr) have also been reported in the hemizygous state in individuals with NDI (Arthus et al. 2000. PubMed ID: 10820168; Wildin et al. 1998. PubMed ID: 9853256). This variant is reported in 0.0063% of alleles in individuals of South Asian descent in gnomAD. Based on above information, this variant is interpreted as likely pathogenic.

Women's Health and Genetics/Laboratory Corporation of America, LabCorp
Classification: Likely pathogenic for Nephrogenic Diabetes Insipidus. Last evaluated: 2011-08-18. Review status: criteria provided, single submitter. Criteria: LabCorp Variant Classification Summary - May 2015. Collection method: curation, clinical testing. Allele origin: germline. Inheritance: Xlinked unknown. Affected: yes.
ClinVar note: Converted during submission from likely pathogenic to Likely pathogenic.